The following is an entry in ClinVar:

NM_000540.3(RYR1):c.13375G>A (p.Asp4459Asn)

Gene: RYR1 (ryanodine receptor 1; plus strand). Cytogenetic location: 19q13.2.
Variant type: single nucleotide variant.
Coding change: c.13375G>A on transcript NM_000540.3 (MANE Select); coding-DNA position 13375, G replaced by A.
Protein change: p.Asp4459Asn; replaces aspartic acid 4459 with asparagine.
Molecular consequence: missense variant.
Genome position (GRCh38, 1-based): chr19:38,565,709, G>A. VCF-style: chr19-38565709-G-A. GRCh37 (hg19) VCF-style: chr19-39056349-G-A.
Other names: c.13360G>A, p.Asp4454Asn (NM_001042723.2); short protein forms D4454N, D4459N.
Identifiers: ClinVar variation 3075088 (VCV003075088.1), dbSNP rs893103349, ClinGen allele CA308109718.

ClinVar aggregate classification (germline): Uncertain significance (1 of 4 stars; one submission).

Conditions:
Malignant hyperthermia, susceptibility to, 1 (MHS1). Also called: Anesthesia related hyperthermia; Malignant hyperpyrexia; Fulminating hyperpyrexia; Pharmacogenic myopathy; RYR1-Related Malignant Hyperthermia Susceptibility; Malignant hyperthermia suceptibility 1. Identifiers: Orphanet 423, MedGen C2930980, MONDO:0007783, OMIM 145600.

Allele frequency attached by ClinVar (database versions not stated): TOPMed 0.00001.
gnomAD v4.1: 11 of 1,427,120 alleles (0.00077%); highest among the groups gnomAD compares: Non-Finnish European, 0.001%; no homozygotes.

Submission:

All of Us Research Program, National Institutes of Health
Classification: Uncertain significance for Malignant hyperthermia, susceptibility to, 1. Last evaluated: 2023-12-18. Review status: criteria provided, single submitter. Criteria: ACMG Guidelines, 2015. Collection method: clinical testing. Allele origin: germline. Inheritance: Autosomal dominant inheritance. Observed: 1 variant allele, 1 heterozygote.
Comment: This missense variant replaces aspartic acid with asparagine at codon 4459 of the RYR1 protein. Computational prediction suggests that this variant may not impact protein structure and function (internally defined REVEL score threshold <= 0.5, PMID: 27666373). To our knowledge, functional studies have not been reported for this variant. This variant has not been reported in individuals affected with RYR1-related disorders in the literature. This variant has not been identified in the general population by the Genome Aggregation Database (gnomAD). The available evidence is insufficient to determine the role of this variant in disease conclusively. Therefore, this variant is classified as a Variant of Uncertain Significance.

This study involves interpretation of variants in research participants for the purpose of population health screening. Participant phenotype was not available at the time of variant classification. Additional details can be found in publication PMID: 35346344, PMCID: PMC8962531